The following is an entry in ClinVar:

ClinVar aggregate classification (germline): Uncertain significance (1 of 4 stars; one submission).

Conditions:
Wiskott-Aldrich syndrome 2 (WAS2). Also called: WIPF1 DEFICIENCY. Identifiers: Orphanet 906, MedGen C3281001, MONDO:0013779, OMIM 614493.

Submission:

Labcorp Genetics (formerly Invitae), Labcorp
Classification: Uncertain significance for Wiskott-Aldrich syndrome 2. Last evaluated: 2020-02-04. Review status: criteria provided, single submitter. Criteria: Invitae Variant Classification Sherloc (09022015). Collection method: clinical testing. Allele origin: germline.
Comment: In summary, the available evidence is currently insufficient to determine the role of this variant in disease. Therefore, it has been classified as a Variant of Uncertain Significance. Algorithms developed to predict the effect of missense changes on protein structure and function are either unavailable or do not agree on the potential impact of this missense change (SIFT: "Not Available"; PolyPhen-2: "Probably Damaging"; Align-GVGD: "Not Available"). This variant has not been reported in the literature in individuals with WIPF1-related conditions. This variant is not present in population databases (ExAC no frequency). This sequence change replaces proline with leucine at codon 365 of the WIPF1 protein (p.Pro365Leu). The proline residue is highly conserved and there is a moderate physicochemical difference between proline and leucine.

NM_001375834.1(WIPF1):c.1094C>T (p.Pro365Leu)

Gene: WIPF1 (WAS/WASL interacting protein family member 1; minus strand). Cytogenetic location: 2q31.1.
Variant type: single nucleotide variant.
Coding change: c.1094C>T on transcript NM_001375834.1 (MANE Select); coding-DNA position 1094, C replaced by T.
Protein change: p.Pro365Leu; replaces proline 365 with leucine.
Molecular consequence: missense variant.
Genome position (GRCh38, 1-based): chr2:174,571,711, G>A on the plus strand (C>T on the coding strand, the complement: WIPF1 is on the minus strand). VCF-style: chr2-174571711-G-A. GRCh37 (hg19) VCF-style: chr2-175436439-G-A.
Other names: c.1094C>T, p.Pro365Leu (NM_001077269.1, NM_001375832.1, NM_001375833.1 and 5 more transcripts); c.716C>T, p.Pro239Leu (NM_001375839.1); short protein forms P239L, P365L.
Identifiers: ClinVar variation 1051683 (VCV001051683.7), dbSNP rs1225689201, ClinGen allele CA349339917.
Genomic context (GRCh38, chr2:174,571,711, plus strand): 5'-CAACTCACTCCACGTCTTGTCATACCTGATCGGCCTGGCGGGTCCCTCACTGGAGGTGGG[G>A]GTCTCTCACTGGGCGGGGGAGGAAGAGGACCTGAACGTCCTGGCGAAGGTAACGGGGGCG-3'
Protein context (NP_001362763.1, residues 355-375): GPLPPPPSER[Pro365Leu]PPPVRDPPGR